The following is an entry in ClinVar:

NM_020745.4(AARS2):c.1037C>T (p.Pro346Leu)

Gene: AARS2 (alanyl-tRNA synthetase 2, mitochondrial; minus strand). Cytogenetic location: 6p21.1.
Variant type: single nucleotide variant.
Coding change: c.1037C>T on transcript NM_020745.4 (MANE Select); coding-DNA position 1037, C replaced by T.
Protein change: p.Pro346Leu; replaces proline 346 with leucine.
Molecular consequence: missense variant.
Genome position (GRCh38, 1-based): chr6:44,307,252, G>A on the plus strand (C>T on the coding strand, the complement: AARS2 is on the minus strand). VCF-style: chr6-44307252-G-A. GRCh37 (hg19) VCF-style: chr6-44274989-G-A.
Other names: short protein forms P346L.
Identifiers: ClinVar variation 2656615 (VCV002656615.23), dbSNP rs917731550, ClinGen allele CA138391248.

ClinVar aggregate classification (germline): Likely benign (1 of 4 stars; one submission).

Allele frequency attached by ClinVar (database versions not stated): gnomAD exomes below 0.00001.
gnomAD v4.1: 5 of 1,613,920 alleles (0.00031%); highest among the groups gnomAD compares: Non-Finnish European, 0.00042%; no homozygotes.

Submission:

CeGaT Center for Human Genetics Tuebingen
Classification: Likely benign. Last evaluated: 2022-10-01. Review status: criteria provided, single submitter. Criteria: CeGaT Center For Human Genetics Tuebingen Variant Classification Criteria Version 2. Collection method: clinical testing. Allele origin: germline. Affected: yes. Observed: 1 variant allele.
Comment: AARS2: BP4